The following is an entry in ClinVar:

NM_002834.5(PTPN11):c.889C>G (p.Pro297Ala)

Gene: PTPN11 (protein tyrosine phosphatase non-receptor type 11; plus strand). Cytogenetic location: 12q24.13.
Variant type: single nucleotide variant.
Coding change: c.889C>G on transcript NM_002834.5 (MANE Select); coding-DNA position 889, C replaced by G.
Protein change: p.Pro297Ala; replaces proline 297 with alanine.
Molecular consequence: missense variant.
Genome position (GRCh38, 1-based): chr12:112,477,686, C>G. VCF-style: chr12-112477686-C-G. GRCh37 (hg19) VCF-style: chr12-112915490-C-G.
Other names: c.889C>G, p.Pro297Ala (NM_001330437.2, NM_080601.3); c.886C>G, p.Pro296Ala (NM_001374625.1); short protein forms P297A, P296A.
Identifiers: ClinVar variation 1765016 (VCV001765016.6), dbSNP rs1485809548, ClinGen allele CA386790612.
Genomic context (GRCh38, chr12:112,477,686, plus strand): 5'-TGACCGTGGTCTCTTTTTCTTCTAGTTGATCATACCAGGGTTGTCCTACACGATGGTGAT[C>G]CCAATGAGCCTGTTTCAGATTACATCAATGCAAATATCATCATGGTAAGCTTTGCTTTTC-3'
Protein context (NP_002825.3, residues 287-307): HTRVVLHDGD[Pro297Ala]NEPVSDYINA

ClinVar aggregate classification (germline): Uncertain significance. Review status: criteria provided, multiple submitters, no conflicts (2 of 4 stars). 2 submissions from 2 submitters: Uncertain significance (2). Last evaluated 2025-02-16.

Conditions:
Cardiovascular phenotype. Identifiers: MedGen CN230736.
RASopathy. Also called: rasopathies; Noonan spectrum disorder. Identifiers: Orphanet 536391, MedGen C5555857, MONDO:0021060.

Allele frequency attached by ClinVar (database versions not stated): gnomAD exomes 0.00001.
gnomAD v4.1: 3 of 1,613,386 alleles (0.00019%); highest among the groups gnomAD compares: Non-Finnish European, 0.00025%; no homozygotes.

Submissions (2):

Ambry Genetics
Classification: Uncertain significance for Cardiovascular phenotype. Last evaluated: 2025-02-16. Review status: criteria provided, single submitter. Criteria: Ambry Variant Classification Scheme 2023. Collection method: clinical testing. Allele origin: germline.
Comment: The p.P297A variant (also known as c.889C>G), located in coding exon 8 of the PTPN11 gene, results from a C to G substitution at nucleotide position 889. The proline at codon 297 is replaced by alanine, an amino acid with highly similar properties. This amino acid position is conserved. In addition, the in silico prediction for this alteration is inconclusive. Since supporting evidence is limited at this time, the clinical significance of this alteration remains unclear.

Labcorp Genetics (formerly Invitae), Labcorp
Classification: Uncertain significance for RASopathy. Last evaluated: 2023-07-25. Review status: criteria provided, single submitter. Criteria: Invitae Variant Classification Sherloc (09022015). Collection method: clinical testing. Allele origin: germline.
Comment: This variant is present in population databases (no rsID available, gnomAD 0.0009%). This sequence change replaces proline, which is neutral and non-polar, with alanine, which is neutral and non-polar, at codon 297 of the PTPN11 protein (p.Pro297Ala). This variant has not been reported in the literature in individuals affected with PTPN11-related conditions. In summary, the available evidence is currently insufficient to determine the role of this variant in disease. Therefore, it has been classified as a Variant of Uncertain Significance. Advanced modeling of protein sequence and biophysical properties (such as structural, functional, and spatial information, amino acid conservation, physicochemical variation, residue mobility, and thermodynamic stability) performed at Invitae indicates that this missense variant is expected to disrupt PTPN11 protein function. ClinVar contains an entry for this variant (Variation ID: 1765016).